The following is an entry in ClinVar:

NM_004260.4(RECQL4):c.983C>G (p.Ala328Gly)

Gene: RECQL4 (RecQ like helicase 4; minus strand). Cytogenetic location: 8q24.3.
Variant type: single nucleotide variant.
Coding change: c.983C>G on transcript NM_004260.4 (MANE Select); coding-DNA position 983, C replaced by G.
Protein change: p.Ala328Gly; replaces alanine 328 with glycine.
Molecular consequence: missense variant.
Genome position (GRCh38, 1-based): chr8:144,516,136, G>C on the plus strand (C>G on the coding strand, the complement: RECQL4 is on the minus strand). VCF-style: chr8-144516136-G-C. GRCh37 (hg19) VCF-style: chr8-145741520-G-C.
Other names: c.983C>G (NM_004260.3); short protein forms A328G.
Identifiers: ClinVar variation 1001190 (VCV001001190.6), dbSNP rs777258662, ClinGen allele CA372688434.

ClinVar aggregate classification (germline): Uncertain significance. Review status: criteria provided, multiple submitters, no conflicts (2 of 4 stars). 2 submissions from 2 submitters: Uncertain significance (2). Last evaluated 2025-11-28.

Conditions:
Baller-Gerold syndrome (BGS). Also called: CRANIOSYNOSTOSIS WITH RADIAL DEFECTS. Identifiers: Orphanet 1225, MedGen C0265308, MONDO:0009039, OMIM 218600.
Inborn genetic diseases. Identifiers: MedGen C0950123, MeSH D030342.

Submissions (2):

Ambry Genetics
Classification: Uncertain significance for Inborn genetic diseases. Last evaluated: 2025-11-28. Review status: criteria provided, single submitter. Criteria: Ambry Variant Classification Scheme 2023. Collection method: clinical testing. Allele origin: germline.
Comment: The p.A328G variant (also known as c.983C>G), located in coding exon 5 of the RECQL4 gene, results from a C to G substitution at nucleotide position 983. The alanine at codon 328 is replaced by glycine, an amino acid with similar properties. This amino acid position is conserved. In addition, this alteration is predicted to be tolerated by in silico analysis. Based on the available evidence, the clinical significance of this variant remains unclear.

Labcorp Genetics (formerly Invitae), Labcorp
Classification: Uncertain significance for Baller-Gerold syndrome. Last evaluated: 2024-05-06. Review status: criteria provided, single submitter. Criteria: Invitae Variant Classification Sherloc (09022015). Collection method: clinical testing. Allele origin: germline.
Comment: This sequence change replaces alanine, which is neutral and non-polar, with glycine, which is neutral and non-polar, at codon 328 of the RECQL4 protein (p.Ala328Gly). This variant is not present in population databases (gnomAD no frequency). This variant has not been reported in the literature in individuals affected with RECQL4-related conditions. ClinVar contains an entry for this variant (Variation ID: 1001190). Advanced modeling of protein sequence and biophysical properties (such as structural, functional, and spatial information, amino acid conservation, physicochemical variation, residue mobility, and thermodynamic stability) performed at Invitae indicates that this missense variant is not expected to disrupt RECQL4 protein function with a negative predictive value of 80%. In summary, the available evidence is currently insufficient to determine the role of this variant in disease. Therefore, it has been classified as a Variant of Uncertain Significance.